The following is an entry in ClinVar:

NM_017841.4(SDHAF2):c.4G>A (p.Ala2Thr)

Gene: SDHAF2 (succinate dehydrogenase complex assembly factor 2; plus strand). Cytogenetic location: 11q12.2.
Variant type: single nucleotide variant.
Coding change: c.4G>A on transcript NM_017841.4 (MANE Select); coding-DNA position 4, G replaced by A.
Protein change: p.Ala2Thr; replaces alanine 2 with threonine.
Molecular consequence: missense variant.
Genome position (GRCh38, 1-based): chr11:61,430,150, G>A. VCF-style: chr11-61430150-G-A. GRCh37 (hg19) VCF-style: chr11-61197622-G-A.
Other names: short protein forms A2T.
Identifiers: ClinVar variation 2818845 (VCV002818845.3), dbSNP rs2540110793, ClinGen allele CA380680095.

ClinVar aggregate classification (germline): Uncertain significance (1 of 4 stars; one submission).

Conditions:
Hereditary pheochromocytoma and paraganglioma. Also called: Hereditary paragangliomas and pheochromocytomas; Hereditary Paraganglioma-Pheochromocytoma Syndromes; Hereditary pheochromocytoma-paraganglioma. Identifiers: Orphanet 29072, MedGen C4274332, MONDO:0017366.

Allele frequency attached by ClinVar (database versions not stated): gnomAD exomes below 0.00001.
gnomAD v4.1: 1 of 1,614,240 alleles (0.000062%); highest among the groups gnomAD compares: Non-Finnish European, 0.000085%; no homozygotes.

Submission:

Labcorp Genetics (formerly Invitae), Labcorp
Classification: Uncertain significance for Hereditary pheochromocytoma and paraganglioma. Last evaluated: 2023-10-04. Review status: criteria provided, single submitter. Criteria: Invitae Variant Classification Sherloc (09022015). Collection method: clinical testing. Allele origin: germline.
Comment: This sequence change replaces alanine, which is neutral and non-polar, with threonine, which is neutral and polar, at codon 2 of the SDHAF2 protein (p.Ala2Thr). This variant is not present in population databases (gnomAD no frequency). This variant has not been reported in the literature in individuals affected with SDHAF2-related conditions. An algorithm developed to predict the effect of missense changes on protein structure and function (PolyPhen-2) suggests that this variant is likely to be tolerated. In summary, the available evidence is currently insufficient to determine the role of this variant in disease. Therefore, it has been classified as a Variant of Uncertain Significance.